The following is an entry in ClinVar:

NM_000343.4(SLC5A1):c.35C>T (p.Ala12Val)

Gene: SLC5A1 (solute carrier family 5 member 1; plus strand). Cytogenetic location: 22q12.3.
Variant type: single nucleotide variant.
Coding change: c.35C>T on transcript NM_000343.4 (MANE Select); coding-DNA position 35, C replaced by T.
Protein change: p.Ala12Val; replaces alanine 12 with valine.
Molecular consequence: missense variant.
Genome position (GRCh38, 1-based): chr22:32,043,316, C>T. VCF-style: chr22-32043316-C-T. GRCh37 (hg19) VCF-style: chr22-32439303-C-T.
Other names: short protein forms A12V.
Identifiers: ClinVar variation 502121 (VCV000502121.42), dbSNP rs150288967, ClinGen allele CA10197816.

ClinVar aggregate classification (germline): Conflicting classifications of pathogenicity. Review status: criteria provided, conflicting classifications (1 of 4 stars). 4 submissions from 4 submitters: Uncertain significance (2); Benign (1); Likely benign (1). Last evaluated 2026-02-01.

Conditions:
Congenital glucose-galactose malabsorption (GGM). Also called: DIARRHEA 16; MONOSACCHARIDE MALABSORPTION. Identifiers: Orphanet 35710, MedGen C0268186, MONDO:0011731, OMIM 606824.

Allele frequency attached by ClinVar (database versions not stated): 1000 Genomes Project 0.00040; gnomAD exomes 0.00060 and 0.00113; 1000 Genomes Project 30x 0.00062; ESP Exome Variant Server 0.00069; TOPMed 0.00085; gnomAD 0.00086 and 0.00090; ExAC 0.00097.
gnomAD v4.1: 1,062 of 1,614,188 alleles (0.066%); highest among the groups gnomAD compares: Middle Eastern, 0.18%; 7 homozygotes.

Submissions (4):

Labcorp Genetics (formerly Invitae), Labcorp
Classification: Benign for Congenital glucose-galactose malabsorption. Last evaluated: 2026-02-01. Review status: criteria provided, single submitter. Criteria: Invitae Variant Classification Sherloc (09022015). Collection method: clinical testing. Allele origin: germline.

CeGaT Center for Human Genetics Tuebingen
Classification: Uncertain significance. Last evaluated: 2023-02-01. Review status: criteria provided, single submitter. Criteria: CeGaT Center For Human Genetics Tuebingen Variant Classification Criteria Version 2. Collection method: clinical testing. Allele origin: germline. Affected: yes. Observed: 1 variant allele.
Comment: SLC5A1: PM2:Supporting, PP4, BP4

Eurofins Ntd Llc (ga)
Classification: Likely benign. Last evaluated: 2017-05-30. Review status: criteria provided, single submitter. Criteria: EGL Classification Definitions 2015. Collection method: clinical testing. Allele origin: germline. Observed: 1 variant allele, 1 heterozygote.

Illumina Laboratory Services, Illumina
Classification: Uncertain significance for Congenital glucose-galactose malabsorption. Last evaluated: 2017-04-27. Review status: criteria provided, single submitter. Criteria: ICSL Variant Classification Criteria 13 December 2019. Collection method: clinical testing. Allele origin: germline.
Comment: This variant was observed as part of a predisposition screen in an ostensibly healthy population. A literature search was performed for the gene, cDNA change, and amino acid change (where applicable). Publications were found based on this search. However, the evidence from the literature, in combination with allele frequency data from public databases where available, was not sufficient to rule this variant in or out of causing disease. Therefore, this variant is classified as a variant of unknown significance.

Literature cited by the submitters: PubMed 12139397 (cited by Illumina Laboratory Services, Illumina).